The following is an entry in ClinVar:

ClinVar aggregate classification (germline): Uncertain significance (1 of 4 stars; one submission).

Submission:

GeneDx
Classification: Uncertain significance. Last evaluated: 2024-10-21. Review status: criteria provided, single submitter. Criteria: GeneDx Variant Classification Process June 2021. Collection method: clinical testing. Allele origin: germline. Affected: yes.
Comment: Not observed at significant frequency in large population cohorts (gnomAD); In silico analysis supports that this missense variant has a deleterious effect on protein structure/function; Has not been previously published as pathogenic or benign to our knowledge

NM_002609.4(PDGFRB):c.944A>G (p.Tyr315Cys)

Gene: PDGFRB (platelet derived growth factor receptor beta; minus strand). Cytogenetic location: 5q32.
Variant type: single nucleotide variant.
Coding change: c.944A>G on transcript NM_002609.4 (MANE Select); coding-DNA position 944, A replaced by G.
Protein change: p.Tyr315Cys; replaces tyrosine 315 with cysteine.
Molecular consequence: missense variant.
Genome position (GRCh38, 1-based): chr5:150,132,933, T>C on the plus strand (A>G on the coding strand, the complement: PDGFRB is on the minus strand). VCF-style: chr5-150132933-T-C. GRCh37 (hg19) VCF-style: chr5-149512496-T-C.
Other names: c.752A>G, p.Tyr251Cys (NM_001355016.2); c.461A>G, p.Tyr154Cys (NM_001355017.2); short protein forms Y154C, Y251C, Y315C.
Identifiers: ClinVar variation 3781303 (VCV003781303.1).
Genomic context (GRCh38, chr5:150,132,933, plus strand): 5'-GTCCGGCTCCGATGCAGCTCAGCAAATTGTAGTGTGCCCACCTCTCCCAGGAGCCGCACG[T>C]AGCCGCTCTCTGCAAGGGGTGACCGTCAGGGGCGGGGCCCTGGGGGCAGGGCACCAACTG-3'
Protein context (NP_002600.1, residues 305-325): AINITVVESG[Tyr315Cys]VRLLGEVGTL